The following is an entry in ClinVar:

NM_007294.4(BRCA1):c.4282A>G (p.Ser1428Gly)

Gene: BRCA1 (BRCA1 DNA repair associated; minus strand). Cytogenetic location: 17q21.31.
Variant type: single nucleotide variant.
Coding change: c.4282A>G on transcript NM_007294.4 (MANE Select); coding-DNA position 4282, A replaced by G.
Protein change: p.Ser1428Gly; replaces serine 1428 with glycine.
Molecular consequence: missense variant.
Genome position (GRCh38, 1-based): chr17:43,082,479, T>C on the plus strand (A>G on the coding strand, the complement: BRCA1 is on the minus strand). VCF-style: chr17-43082479-T-C. GRCh37 (hg19) VCF-style: chr17-41234496-T-C.
Other names: c.829A>G, p.Ser277Gly (NM_001408462.1, NM_001408463.1, NM_001408464.1 and 5 more transcripts); c.826A>G, p.Ser276Gly (NM_001408470.1); c.970A>G, p.Ser324Gly (NM_001408472.1, NM_001407972.1, NM_001407992.1 and 18 more transcripts); c.4279A>G, p.Ser1427Gly (NM_001407587.1, NM_001407590.1, NM_001407591.1 and 21 more transcripts); c.4282A>G, p.Ser1428Gly (NM_001407593.1, NM_001407594.1, NM_001407596.1 and 23 more transcripts); c.4069A>G, p.Ser1357Gly (NM_001407571.1, NM_001407916.1, NM_001407917.1 and 12 more transcripts); c.760A>G, p.Ser254Gly (NM_001408489.1, NM_001408490.1, NM_001408491.1 and 3 more transcripts); c.733A>G, p.Ser245Gly (NM_001408494.1); and 51 more; short protein forms S1132G, S1259G, S1300G, S1301G, S1315G, S1316G, S1317G, S1338G.
Identifiers: ClinVar variation 4867691 (VCV004867691.1).

ClinVar aggregate classification (germline): Uncertain significance (1 of 4 stars; one submission).

Conditions:
Hereditary cancer-predisposing syndrome. Also called: Neoplastic Syndromes, Hereditary; Tumor predisposition; Hereditary Cancer Syndrome; Hereditary neoplastic syndrome. Identifiers: Orphanet 140162, MedGen C0027672, MeSH D009386, MONDO:0015356.

Submission:

Ambry Genetics
Classification: Uncertain significance for Hereditary cancer-predisposing syndrome. Last evaluated: 2026-06-08. Review status: criteria provided, single submitter. Criteria: Ambry Variant Classification Scheme 2023. Collection method: clinical testing. Allele origin: germline.
Comment: The p.S1428G variant (also known as c.4282A>G), located in coding exon 11 of the BRCA1 gene, results from an A to G substitution at nucleotide position 4282. The serine at codon 1428 is replaced by glycine, an amino acid with similar properties. This amino acid position is conserved. In addition, this alteration is predicted to be tolerated by in silico analysis. Based on the available evidence, the clinical significance of this variant remains unclear.